The following is an entry in ClinVar:

NM_001999.4(FBN2):c.4658G>A (p.Arg1553His)

Gene: FBN2 (fibrillin 2; minus strand). Cytogenetic location: 5q23.3.
Variant type: single nucleotide variant.
Coding change: c.4658G>A on transcript NM_001999.4 (MANE Select); coding-DNA position 4658, G replaced by A.
Protein change: p.Arg1553His; replaces arginine 1553 with histidine.
Molecular consequence: missense variant.
Genome position (GRCh38, 1-based): chr5:128,318,208, C>T on the plus strand (G>A on the coding strand, the complement: FBN2 is on the minus strand). VCF-style: chr5-128318208-C-T. GRCh37 (hg19) VCF-style: chr5-127653900-C-T.
Other names: short protein forms R1553H.
Identifiers: ClinVar variation 1710817 (VCV001710817.5), dbSNP rs772173133, ClinGen allele CA3394889.
Genomic context (GRCh38, chr5:128,318,208, plus strand): 5'-CCAACACAACCCACACCAGTTGGGTTCAACTGAAAATCGGGTGGGCAGTTACACTCATAG[C>T]GACCAGGCGTGTTGACACATAGGCCATTGACACAGTTTATAGGATCTGCACACTCATCAA-3'
Protein context (NP_001990.2, residues 1543-1563): VNGLCVNTPG[Arg1553His]YECNCPPDFQ

ClinVar aggregate classification (germline): Conflicting classifications of pathogenicity. Review status: criteria provided, conflicting classifications (1 of 4 stars). 3 submissions from 3 submitters: Uncertain significance (2); Likely benign (1). Last evaluated 2026-04-20.

Conditions:
Familial thoracic aortic aneurysm and aortic dissection (TAAD). Also called: Thoracic aortic aneurysms and dissections. Identifiers: Orphanet 91387, MedGen C4707243, MONDO:0019625.
Congenital contractural arachnodactyly (CCA). Also called: BEALS SYNDROME; Beals-Hecht syndrome; Arthrogryposis, distal, type 9. Identifiers: Orphanet 115, MedGen C0220668, MONDO:0007363, OMIM 121050.

Allele frequency attached by ClinVar (database versions not stated): TOPMed 0.00002; gnomAD exomes below 0.00001; ExAC 0.00002.
gnomAD v4.1: 6 of 1,613,844 alleles (0.00037%); highest among the groups gnomAD compares: East Asian, 0.0022%; no homozygotes.

Submissions (3):

Ambry Genetics
Classification: Uncertain significance for Familial thoracic aortic aneurysm and aortic dissection. Last evaluated: 2026-04-20. Review status: criteria provided, single submitter. Criteria: Ambry Variant Classification Scheme 2023. Collection method: clinical testing. Allele origin: germline.
Comment: The p.R1553H variant (also known as c.4658G>A), located in coding exon 36 of the FBN2 gene, results from a G to A substitution at nucleotide position 4658. The arginine at codon 1553 is replaced by histidine, an amino acid with highly similar properties. This amino acid position is conserved. In addition, the in silico prediction for this alteration is inconclusive. Based on the available evidence, the clinical significance of this variant remains unclear.

Labcorp Genetics (formerly Invitae), Labcorp
Classification: Likely benign for Congenital contractural arachnodactyly. Last evaluated: 2024-12-17. Review status: criteria provided, single submitter. Criteria: Invitae Variant Classification Sherloc (09022015). Collection method: clinical testing. Allele origin: germline.

GeneDx
Classification: Uncertain significance. Last evaluated: 2022-04-13. Review status: criteria provided, single submitter. Criteria: GeneDx Variant Classification Process June 2021. Collection method: clinical testing. Allele origin: germline. Affected: yes.
Comment: Has not been previously published as pathogenic or benign to our knowledge; Not observed at significant frequency in large population cohorts (gnomAD); In silico analysis supports that this missense variant does not alter protein structure/function; Although located in a calcium-binding EGF-like domain of the FBN2 gene, it does not substitute or introduce a cysteine residue (Callewaert et al., 2008; Frederic et al., 2009)